The following is an entry in ClinVar:

ClinVar aggregate classification (germline): Uncertain significance. Review status: criteria provided, multiple submitters, no conflicts (2 of 4 stars). 2 submissions from 2 submitters: Uncertain significance (2). Last evaluated 2023-05-09.

Conditions:
Symmetrical dyschromatosis of extremities (DSH). Also called: RETICULATE ACROPIGMENTATION OF DOHI; SYMMETRIC DYSCHROMATOSIS OF THE EXTREMITIES; Dyschromatosis symmetrica hereditaria; DYSCHROMATOSIS SYMMETRICA HEREDITARIA 1. Identifiers: Orphanet 41, MedGen C0406775, MONDO:0007483, OMIM 127400.
Aicardi-Goutieres syndrome 6 (AGS6). Identifiers: Orphanet 51, MedGen C3539013, MONDO:0014007, OMIM 615010.

Allele frequency attached by ClinVar (database versions not stated): TOPMed below 0.00001; ExAC 0.00002.
gnomAD v4.1: 10 of 1,614,258 alleles (0.00062%); highest among the groups gnomAD compares: Non-Finnish European, 0.00085%; no homozygotes.

Submissions (2):

Labcorp Genetics (formerly Invitae), Labcorp
Classification: Uncertain significance for Aicardi-Goutieres syndrome 6; Symmetrical dyschromatosis of extremities. Last evaluated: 2023-05-09. Review status: criteria provided, single submitter. Criteria: Invitae Variant Classification Sherloc (09022015). Collection method: clinical testing. Allele origin: germline.
Comment: This sequence change replaces asparagine, which is neutral and polar, with lysine, which is basic and polar, at codon 205 of the ADAR protein (p.Asn205Lys). This variant is present in population databases (rs770367924, gnomAD 0.0009%). In summary, the available evidence is currently insufficient to determine the role of this variant in disease. Therefore, it has been classified as a Variant of Uncertain Significance. Algorithms developed to predict the effect of missense changes on protein structure and function output the following: SIFT: "Not Available"; PolyPhen-2: "Benign"; Align-GVGD: "Not Available". The lysine amino acid residue is found in multiple mammalian species, which suggests that this missense change does not adversely affect protein function. ClinVar contains an entry for this variant (Variation ID: 392478). This variant has not been reported in the literature in individuals affected with ADAR-related conditions.

GeneDx
Classification: Uncertain significance. Last evaluated: 2019-09-23. Review status: criteria provided, single submitter. Criteria: GeneDx Variant Classification Process June 2021. Collection method: clinical testing. Allele origin: germline. Affected: yes.
Comment: Not observed in large population cohorts (Lek et al., 2016); In silico analysis, which includes protein predictors and evolutionary conservation, supports that this variant does not alter protein structure/function; Has not been previously published as pathogenic or benign to our knowledge

NM_001111.5(ADAR):c.615C>A (p.Asn205Lys)

Gene: ADAR (adenosine deaminase RNA specific; minus strand). Cytogenetic location: 1q21.3.
Variant type: single nucleotide variant.
Coding change: c.615C>A on transcript NM_001111.5 (MANE Select); coding-DNA position 615, C replaced by A.
Protein change: p.Asn205Lys; replaces asparagine 205 with lysine.
Molecular consequence: missense variant. On other transcripts: 5 prime UTR variant (6).
Genome position (GRCh38, 1-based): chr1:154,602,027, G>T on the plus strand (C>A on the coding strand, the complement: ADAR is on the minus strand). VCF-style: chr1-154602027-G-T. GRCh37 (hg19) VCF-style: chr1-154574503-G-T.
Other names: c.615C>A, p.Asn205Lys (LRG_1212t1, NM_015840.4, NM_015841.4); c.-271C>A (NM_001025107.3, NM_001193495.2, NM_001365046.1 and 3 more transcripts); c.642C>A, p.Asn214Lys (NM_001365045.1); short protein forms N205K, N214K.
Identifiers: ClinVar variation 392478 (VCV000392478.6), dbSNP rs770367924, ClinGen allele CA1131671.